The following is an entry in ClinVar:

NM_016222.4(DDX41):c.721A>G (p.Met241Val)

Gene: DDX41 (DEAD-box helicase 41; minus strand). Cytogenetic location: 5q35.3.
Variant type: single nucleotide variant.
Coding change: c.721A>G on transcript NM_016222.4 (MANE Select); coding-DNA position 721, A replaced by G.
Protein change: p.Met241Val; replaces methionine 241 with valine.
Molecular consequence: missense variant.
Genome position (GRCh38, 1-based): chr5:177,514,993, T>C on the plus strand (A>G on the coding strand, the complement: DDX41 is on the minus strand). VCF-style: chr5-177514993-T-C. GRCh37 (hg19) VCF-style: chr5-176941994-T-C.
Other names: c.343A>G, p.Met115Val (NM_001321732.2, NM_001321830.2); short protein forms M115V, M241V.
Identifiers: ClinVar variation 4238784 (VCV004238784.1).
Genomic context (GRCh38, chr5:177,514,993, plus strand): 5'-GTCCATAGGGCCCCTCGCGCTTTGAGAAGGGTAACCTCTTCTCTTGTTCCAGGCAGAACA[T>C]GATGACGGGCAACGTGAACACCAGTGTCTTGCCTGAACCCGTGAAAGCGATGCCTATCAT-3'
Protein context (NP_057306.2, residues 231-251): KTLVFTLPVI[Met241Val]FCLEQEKRLP

ClinVar aggregate classification (germline): Uncertain significance (1 of 4 stars; one submission).

Conditions:
Inborn genetic diseases. Identifiers: MedGen C0950123, MeSH D030342.

Submission:

Ambry Genetics
Classification: Uncertain significance for Inborn genetic diseases. Last evaluated: 2025-07-28. Review status: criteria provided, single submitter. Criteria: Ambry Variant Classification Scheme 2023. Collection method: clinical testing. Allele origin: germline.
Comment: The p.M241V variant (also known as c.721A>G), located in coding exon 8 of the DDX41 gene, results from an A to G substitution at nucleotide position 721. The methionine at codon 241 is replaced by valine, an amino acid with highly similar properties. This amino acid position is conserved. In addition, the in silico prediction for this alteration is inconclusive. Based on the available evidence, the clinical significance of this variant remains unclear.